The following is an entry in ClinVar:

ClinVar aggregate classification (germline): Benign/Likely benign. Review status: criteria provided, multiple submitters, no conflicts (2 of 4 stars). 4 submissions from 4 submitters: Benign (1); Likely benign (3). Last evaluated 2025-03-31.

Conditions:
Hereditary cancer-predisposing syndrome. Also called: Hereditary neoplastic syndrome; Neoplastic Syndromes, Hereditary; Tumor predisposition; Hereditary Cancer Syndrome. Identifiers: Orphanet 140162, MedGen C0027672, MeSH D009386, MONDO:0015356.
Familial cancer of breast. Also called: BREAST CANCER, FAMILIAL; Hereditary breast cancer; hereditary breast carcinoma. Identifiers: Orphanet 227535, MedGen C0346153, MONDO:0016419, OMIM 114480. Disease mechanism: loss of function.
Ataxia-telangiectasia syndrome (AT). Also called: LOUIS-BAR SYNDROME; Cerebello-oculocutaneous telangiectasia; Immunodeficiency with ataxia telangiectasia; AT, COMPLEMENTATION GROUP C; Ataxia-telangiectasia, complementation group D; ATAXIA-TELANGIECTASIA, COMPLEMENTATION GROUP A. Identifiers: Orphanet 100, MedGen C0004135, MONDO:0008840, OMIM 208900.

Submissions (4):

Labcorp Genetics (formerly Invitae), Labcorp
Classification: Likely benign for Ataxia-telangiectasia syndrome. Last evaluated: 2025-03-31. Review status: criteria provided, single submitter. Criteria: Invitae Variant Classification Sherloc (09022015). Collection method: clinical testing. Allele origin: germline.

Myriad Genetics, Inc.
Classification: Benign for Familial cancer of breast. Last evaluated: 2024-04-19. Review status: criteria provided, single submitter. Criteria: Myriad Autosomal Dominant, Autosomal Recessive and X-Linked Classification Criteria (2023). Collection method: clinical testing. Allele origin: unknown.
Comment: This variant is considered benign. This variant is a silent/synonymous amino acid change and it is not expected to impact splicing.

Color Diagnostics, LLC DBA Color Health
Classification: Likely benign for Hereditary cancer-predisposing syndrome. Last evaluated: 2017-11-07. Review status: criteria provided, single submitter. Criteria: ACMG Guidelines, 2015. Collection method: clinical testing. Allele origin: germline.

Ambry Genetics
Classification: Likely benign for Hereditary cancer-predisposing syndrome. Last evaluated: 2016-11-03. Review status: criteria provided, single submitter. Criteria: Ambry Variant Classification Scheme 2023. Collection method: clinical testing. Allele origin: germline.

NM_000051.4(ATM):c.360C>T (p.Leu120=)

Gene: ATM (ATM serine/threonine kinase; plus strand). Cytogenetic location: 11q22.3.
Variant type: single nucleotide variant.
Coding change: c.360C>T on transcript NM_000051.4 (MANE Select); coding-DNA position 360, C replaced by T.
Protein change: p.Leu120=; no amino-acid change (leucine 120 retained).
Molecular consequence: synonymous variant.
Genome position (GRCh38, 1-based): chr11:108,235,698, C>T. VCF-style: chr11-108235698-C-T. GRCh37 (hg19) VCF-style: chr11-108106425-C-T.
Other names: c.360C>T, p.Leu120= (NM_001351834.2).
Identifiers: ClinVar variation 482654 (VCV000482654.16), dbSNP rs749489010, ClinGen allele CA476670354.